The following is an entry in ClinVar:

NM_001267550.2(TTN):c.9176A>T (p.Glu3059Val)

Gene: TTN (titin; minus strand). Cytogenetic location: 2q31.2.
Variant type: single nucleotide variant.
Coding change: c.9176A>T on transcript NM_001267550.2 (MANE Select); coding-DNA position 9176, A replaced by T.
Protein change: p.Glu3059Val; replaces glutamic acid 3059 with valine.
Molecular consequence: missense variant.
Genome position (GRCh38, 1-based): chr2:178,768,143, T>A on the plus strand (A>T on the coding strand, the complement: TTN is on the minus strand). VCF-style: chr2-178768143-T-A. GRCh37 (hg19) VCF-style: chr2-179632870-T-A.
Other names: c.9176A>T, p.Glu3059Val (NM_133378.4, NM_001256850.1, NM_133379.5); c.9038A>T, p.Glu3013Val (NM_003319.4, NM_133432.3, NM_133437.4); short protein forms E3059V, E3013V.
Identifiers: ClinVar variation 178867 (VCV000178867.31), dbSNP rs727504501, ClinGen allele CA183186.

ClinVar aggregate classification (germline): Conflicting classifications of pathogenicity. Review status: criteria provided, conflicting classifications (1 of 4 stars). 11 submissions from 11 submitters: Uncertain significance (7); Benign (1); Likely benign (3). Last evaluated 2026-07-15.

Conditions:
Cardiovascular phenotype. Identifiers: MedGen CN230736.
TTN-related disorder. Also called: TTN-related condition; TTN-related disease; TTN-related disorders.
Cardiomyopathy (CMYO). Also called: Cardiomyopathies. Identifiers: Orphanet 167848, MedGen C0878544, MONDO:0004994, HP:0001638. Inheritance: Various modes of inheritance.
Primary dilated cardiomyopathy (DCM). Also called: Dilated Cardiomyopathy. Identifiers: Orphanet 217604, MedGen C0007193, MeSH D002311, MONDO:0005021, HP:0001644. Inheritance: Various modes of inheritance.

Allele frequency attached by ClinVar (database versions not stated): gnomAD 0.00001 and 0.00002; gnomAD exomes 0.00002 and 0.00006; TOPMed 0.00005; ExAC 0.00007.
gnomAD v4.1: 45 of 1,613,930 alleles (0.0028%); highest among the groups gnomAD compares: East Asian, 0.069%; no homozygotes.

Submissions (11):

PreventionGenetics, part of Exact Sciences
Classification: Uncertain significance for TTN-related condition. Last evaluated: 2026-07-15. Review status: criteria provided, single submitter. Criteria: ACMG Guidelines, 2015. Collection method: clinical testing. Allele origin: germline.
Comment: The TTN c.9176A>T variant is predicted to result in the amino acid substitution p.Glu3059Val. This variant has been reported as a variant of uncertain significance in a cohort of individuals with dilated cardiomyopathy (Table S2b, Al-Shafai et al. 2021. PubMed ID: 34137518). This variant is reported in 0.065% of alleles in individuals of East Asian descent in gnomAD. Although we suspect that this variant may be benign, at this time, the clinical significance of this variant is uncertain due to the absence of conclusive functional and genetic evidence.

Women's Health and Genetics/Laboratory Corporation of America, LabCorp
Classification: Likely benign. Last evaluated: 2025-11-12. Review status: criteria provided, single submitter. Criteria: LabCorp Variant Classification Summary - May 2015. Collection method: clinical testing. Allele origin: germline.
Comment: Variant summary: TTN c.9176A>T (p.Glu3059Val) results in a non-conservative amino acid change in the encoded protein sequence. Algorithms developed to predict the effect of missense changes on protein structure and function are either unavailable or do not agree on the potential impact of this missense change. The variant allele was found at a frequency of 5.6e-05 in 250680 control chromosomes, predominantly at a frequency of 0.00066 within the East Asian subpopulation in the gnomAD database. The observed variant frequency within East Asian control individuals in the gnomAD database exceeds the estimated maximal expected allele frequency for disease-causing variants in TTN. c.9176A>T has been observed in individual(s) affected with Dilated Cardiomyopathy without strong evidence for causality (Al-Shafai_2021). These report(s) do not provide unequivocal conclusions about association of the variant with Dilated Cardiomyopathy. To our knowledge, no experimental evidence demonstrating an impact on protein function has been reported. The following publication has been ascertained in the context of this evaluation (PMID: 34137518). ClinVar contains an entry for this variant (Variation ID: 178867). Based on the evidence outlined above, the variant was classified as likely benign.

Blueprint Genetics
Classification: Likely benign. Last evaluated: 2024-10-25. Review status: criteria provided, single submitter. Criteria: ACMG Guidelines, 2015. Collection method: clinical testing. Allele origin: germline.

Mayo Clinic Laboratories, Mayo Clinic
Classification: Uncertain significance. Last evaluated: 2024-02-12. Review status: criteria provided, single submitter. Criteria: ACMG Guidelines, 2015. Collection method: clinical testing. Allele origin: germline. Observed: 1 variant allele.

Revvity Omics, Revvity
Classification: Uncertain significance. Last evaluated: 2023-06-22. Review status: criteria provided, single submitter. Criteria: ACMG Guidelines, 2015. Collection method: clinical testing. Allele origin: germline.

CHEO Genetics Diagnostic Laboratory, Children's Hospital of Eastern Ontario
Classification: Benign for Cardiomyopathy. Last evaluated: 2023-05-16. Review status: criteria provided, single submitter. Criteria: ACMG Guidelines, 2015. Collection method: clinical testing. Allele origin: germline.

GeneDx
Classification: Likely benign. Last evaluated: 2021-03-03. Review status: criteria provided, single submitter. Criteria: GeneDx Variant Classification Process June 2021. Collection method: clinical testing. Allele origin: germline. Affected: yes.

Ambry Genetics
Classification: Uncertain significance for Cardiovascular phenotype. Last evaluated: 2018-08-28. Review status: criteria provided, single submitter. Criteria: Ambry Variant Classification Scheme 2023. Collection method: clinical testing. Allele origin: germline.
Comment: The p.E3013V variant (also known as c.9038A>T), located in coding exon 37 of the TTN gene, results from an A to T substitution at nucleotide position 9038. The glutamic acid at codon 3013 is replaced by valine, an amino acid with dissimilar properties. This amino acid position is highly conserved in available vertebrate species. In addition, this alteration is predicted to be tolerated by in silico analysis. Since supporting evidence is limited at this time, the clinical significance of this alteration remains unclear.

Eurofins Ntd Llc (ga)
Classification: Uncertain significance. Last evaluated: 2018-06-21. Review status: criteria provided, single submitter. Criteria: EGL ClinVar v180209 classification definitions. Collection method: clinical testing. Allele origin: germline. Observed: 1 variant allele, 1 heterozygote.

Laboratory for Molecular Medicine, Mass General Brigham Personalized Medicine
Classification: Uncertain significance. Last evaluated: 2013-04-03. Review status: criteria provided, single submitter. Criteria: LMM Criteria. Collection method: clinical testing. Allele origin: germline. Observed: 1 variant allele.
Comment: The Glu3059Val variant in TTN has not been reported in the literature nor previo usly identified by our laboratory. This variant has not been identified in large European American and African American populations by the NHLBI Exome Sequencin g Project, though it may be present in other populations. Computational analyses (biochemical amino acid properties, conserv ation, AlignGVGD, PolyPhen2, and SIFT) do not provide strong support for or agai nst an impact to the protein. Additional information is needed to fully assess t he clinical significance of this variant.

Genetics and Genomics Program, Sidra Medicine
Classification: Uncertain significance for Primary dilated cardiomyopathy. Review status: criteria provided, single submitter. Criteria: ACMG Guidelines, 2015. Collection method: research. Allele origin: unknown. Affected: yes. Observed: 1 variant allele.

Literature cited by the submitters: PubMed 34137518 (cited by Women's Health and Genetics/Laboratory Corporation of America, LabCorp).